The following is an entry in ClinVar:

ClinVar aggregate classification (germline): Uncertain significance (1 of 4 stars; one submission).

Conditions:
Hypertrophic cardiomyopathy 26. Also called: Cardiomyopathy, familial hypertrophic, 26. Identifiers: Orphanet 75249, MedGen C4310749, MONDO:0014883, OMIM 617047.
Myofibrillar myopathy 5. Also called: Filaminopathy (type); FILAMINOPATHY, AUTOSOMAL DOMINANT. Identifiers: Orphanet 171445, MedGen C1836050, MONDO:0012289, OMIM 609524.
Distal myopathy with posterior leg and anterior hand involvement. Also called: WILLIAMS DISTAL MYOPATHY. Identifiers: Orphanet 63273, MedGen C3279722, MONDO:0013550, OMIM 614065.

Submission:

Labcorp Genetics (formerly Invitae), Labcorp
Classification: Uncertain significance for Distal myopathy with posterior leg and anterior hand involvement; Myofibrillar myopathy 5; Hypertrophic cardiomyopathy 26. Last evaluated: 2022-10-28. Review status: criteria provided, single submitter. Criteria: Invitae Variant Classification Sherloc (09022015). Collection method: clinical testing. Allele origin: germline.
Comment: This sequence change replaces tryptophan, which is neutral and slightly polar, with arginine, which is basic and polar, at codon 551 of the FLNC protein (p.Trp551Arg). This variant is not present in population databases (gnomAD no frequency). This variant has not been reported in the literature in individuals affected with FLNC-related conditions. Advanced modeling of protein sequence and biophysical properties (such as structural, functional, and spatial information, amino acid conservation, physicochemical variation, residue mobility, and thermodynamic stability) has been performed at Invitae for this missense variant, however the output from this modeling did not meet the statistical confidence thresholds required to predict the impact of this variant on FLNC protein function. In summary, the available evidence is currently insufficient to determine the role of this variant in disease. Therefore, it has been classified as a Variant of Uncertain Significance.

NM_001458.5(FLNC):c.1651T>C (p.Trp551Arg)

Gene: FLNC (filamin C; plus strand). Cytogenetic location: 7q32.1.
Variant type: single nucleotide variant.
Coding change: c.1651T>C on transcript NM_001458.5 (MANE Select); coding-DNA position 1651, T replaced by C.
Protein change: p.Trp551Arg; replaces tryptophan 551 with arginine.
Molecular consequence: missense variant.
Genome position (GRCh38, 1-based): chr7:128,840,649, T>C. VCF-style: chr7-128840649-T-C. GRCh37 (hg19) VCF-style: chr7-128480703-T-C.
Other names: c.1651T>C, p.Trp551Arg (NM_001127487.2); short protein forms W551R.
Identifiers: ClinVar variation 2941066 (VCV002941066.3), dbSNP rs2536626553, ClinGen allele CA369226767.